The following is an entry in ClinVar:

ClinVar aggregate classification (germline): Likely pathogenic. Review status: criteria provided, multiple submitters, no conflicts (2 of 4 stars). 2 submissions from 2 submitters: Likely pathogenic (2). Last evaluated 2023-06-05.

Conditions:
Hereditary cancer-predisposing syndrome. Also called: Hereditary neoplastic syndrome; Hereditary Cancer Syndrome; Tumor predisposition; Neoplastic Syndromes, Hereditary. Identifiers: Orphanet 140162, MedGen C0027672, MeSH D009386, MONDO:0015356.
POT1-related disorder. Also called: POT1-related condition.

Submissions (2):

Blueprint Genetics
Classification: Likely pathogenic for POT1-related disorders. Last evaluated: 2023-06-05. Review status: criteria provided, single submitter. Criteria: ACMG Guidelines, 2015. Collection method: clinical testing. Allele origin: germline. Affected: yes. Observed: 1 variant allele.

Sema4
Classification: Likely pathogenic for Hereditary cancer-predisposing syndrome. Last evaluated: 2021-11-15. Review status: criteria provided, single submitter. Criteria: Sema4 Curation Guidelines. Collection method: curation. Allele origin: germline.
Comment: The POT1 c.469C>T (p.Q157X) variant has not been reported in the literature to our knowledge. This nonsense variant creates a premature stop codon at residue 157 of the POT1 protein. At this location, this is predicted to cause nonsense-mediated decay and result in an absent protein (loss of function). This variant is not reported in the population database Genome Aggregation Database (PMID: 32461654). This variant has not been reported in ClinVar. Based on the current evidence available, this variant is interpreted as likely pathogenic.

NM_015450.3(POT1):c.469C>T (p.Gln157Ter)

Gene: POT1 (protection of telomeres 1; minus strand). Cytogenetic location: 7q31.33.
Variant type: single nucleotide variant.
Coding change: c.469C>T on transcript NM_015450.3 (MANE Select); coding-DNA position 469, C replaced by T.
Protein change: p.Gln157Ter; replaces glutamine 157 with a stop codon.
Molecular consequence: nonsense. On other transcripts: non-coding transcript variant (3).
Genome position (GRCh38, 1-based): chr7:124,863,427, G>A on the plus strand (C>T on the coding strand, the complement: POT1 is on the minus strand). VCF-style: chr7-124863427-G-A. GRCh37 (hg19) VCF-style: chr7-124503481-G-A.
Other names: c.76C>T, p.Gln26Ter (NM_001042594.2); short protein forms Q157*, Q26*.
Identifiers: ClinVar variation 1691880 (VCV001691880.2), dbSNP rs2116541623, ClinGen allele CA369059076.